The following is an entry in ClinVar:

ClinVar aggregate classification (germline): Likely pathogenic. Review status: criteria provided, multiple submitters, no conflicts (2 of 4 stars). 6 submissions from 6 submitters: Likely pathogenic (6). Last evaluated 2025-10-09.

Conditions:
Neuronal ceroid lipofuscinosis. Also called: Neuronal Ceroid Lipofuscinoses. Identifiers: Orphanet 216, Orphanet 79263, MedGen C0027877, MONDO:0016295. Disease mechanism: loss of function.
Neuronal ceroid lipofuscinosis 1 (CLN1). Also called: CEROID LIPOFUSCINOSIS, NEURONAL, 1, VARIABLE AGE AT ONSET; PPT1-Related Neuronal Ceroid-Lipofuscinosis. Identifiers: Orphanet 228329, MedGen C1850451, MONDO:0009744, OMIM 256730.
Inborn genetic diseases. Identifiers: MedGen C0950123, MeSH D030342.

Allele frequency attached by ClinVar (database versions not stated): gnomAD exomes below 0.00001; ExAC 0.00001; gnomAD 0.00001; TOPMed 0.00002; ESP Exome Variant Server 0.00008.
gnomAD v4.1: 3 of 1,613,898 alleles (0.00019%); highest among the groups gnomAD compares: African/African-American, 0.0013%; no homozygotes.

Submissions (6):

Natera, Inc.
Classification: Likely pathogenic for Neuronal ceroid lipofuscinosis 1. Last evaluated: 2025-10-09. Review status: criteria provided, single submitter. Criteria: Natera Variant Classification Schema (03/2026). Collection method: clinical testing. Allele origin: germline.
Comment: The c.353G>A variant in PPT1 is a missense variant predicted to cause substitution of glycine to aspartic acid at amino acid 118. This variant is rare in the general population with a frequency below the threshold expected for the associated phenotype(s). This variant has been observed in one or more individuals affected with the associated recessive disease, as either homozygous or compound heterozygous with a second variant (PMID: 10649502, 26795593). This variant has been identified in one or more affected individual with a phenotype highly consistent with the associated gene (PMID: 26795593). Computational prediction algorithms indicate this variant is likely to affect gene or protein function. Given the available evidence, this variant is classified as Likely Pathogenic.

Labcorp Genetics (formerly Invitae), Labcorp
Classification: Likely pathogenic for Neuronal ceroid lipofuscinosis 1. Last evaluated: 2025-05-01. Review status: criteria provided, single submitter. Criteria: Invitae Variant Classification Sherloc (09022015). Collection method: clinical testing. Allele origin: germline.
Comment: This sequence change replaces glycine, which is neutral and non-polar, with aspartic acid, which is acidic and polar, at codon 118 of the PPT1 protein (p.Gly118Asp). This variant is present in population databases (rs143657539, gnomAD 0.007%). This missense change has been observed in individual(s) with neuronal ceroid lipofuscinosis (PMID: 10649502). ClinVar contains an entry for this variant (Variation ID: 520610). Invitae Evidence Modeling of protein sequence and biophysical properties (such as structural, functional, and spatial information, amino acid conservation, physicochemical variation, residue mobility, and thermodynamic stability) indicates that this missense variant is expected to disrupt PPT1 protein function with a positive predictive value of 95%. In summary, the currently available evidence indicates that the variant is pathogenic, but additional data are needed to prove that conclusively. Therefore, this variant has been classified as Likely Pathogenic.

Fulgent Genetics
Classification: Likely pathogenic for Neuronal ceroid lipofuscinosis 1. Last evaluated: 2024-03-12. Review status: criteria provided, single submitter. Criteria: ACMG Guidelines, 2015. Collection method: clinical testing. Allele origin: germline.

Baylor Genetics
Classification: Likely pathogenic for Neuronal ceroid lipofuscinosis 1. Last evaluated: 2023-12-01. Review status: criteria provided, single submitter. Criteria: ACMG Guidelines, 2015. Collection method: clinical testing. Allele origin: unknown.

Women's Health and Genetics/Laboratory Corporation of America, LabCorp
Classification: Likely pathogenic for Neuronal ceroid lipofuscinosis. Last evaluated: 2023-08-30. Review status: criteria provided, single submitter. Criteria: LabCorp Variant Classification Summary - May 2015. Collection method: clinical testing. Allele origin: germline.
Comment: Variant summary: PPT1 c.353G>A (p.Gly118Asp) results in a non-conservative amino acid change in the encoded protein sequence. Five of five in-silico tools predict a damaging effect of the variant on protein function. The variant allele was found at a frequency of 4e-06 in 251414 control chromosomes (gnomAD). c.353G>A has been reported in the literature as a compound heterozygous genotype in at least one individual affected with infantile neuronal ceroid-lipofuscinosis (Batten Disease) and in an individual with childhood-onset progressive myoclonus epilepsy (e.g.Waliany_2000, Helbig_2016). These data indicate that the variant is likely to be associated with disease. The variant affects an amino acid located near the active site of PPT1 and is predicted to impact protein function (e.g. Bellizzi_2000, Waliany_2000). However, to our knowledge, no variant-specific experimental evidence demonstrating an impact on protein function has been reported. The following publications have been ascertained in the context of this evaluation (PMID: 10781062, 26795593, 10649502). Two submitters have cited clinical-significance assessments for this variant to ClinVar after 2014 and both classified the variant as pathogenic/likely pathogenic. Based on the evidence outlined above, the variant was classified as likely pathogenic.

Ambry Genetics
Classification: Likely pathogenic for Inborn genetic diseases. Last evaluated: 2018-01-26. Review status: criteria provided, single submitter. Criteria: Ambry Variant Classification Scheme 2023. Collection method: clinical testing. Allele origin: germline.
Comment: The p.G118D variant (also known as c.353G>A), located in coding exon 3 of the PPT1 gene, results from a G to A substitution at nucleotide position 353. The glycine at codon 118 is replaced by aspartic acid, an amino acid with similar properties. This variant was detected in conjunction with a nonsense alteration in an individual with motor symptoms and granular osmiophilic deposits (Waliany S et al. Hum. Mutat., 2000 Feb;15:206-7). This amino acid position is well conserved in available vertebrate species. In addition, this alteration is predicted to be deleterious by in silico analysis. Based on the majority of available evidence to date, this variant is likely to be pathogenic.

Literature cited by the submitters: PubMed 10649502 (cited by 4 submitters); PubMed 26795593 (cited by Natera, Inc. and Women's Health and Genetics/Laboratory Corporation of America, LabCorp); PubMed 10781062 (cited by Women's Health and Genetics/Laboratory Corporation of America, LabCorp and Ambry Genetics).

NM_000310.4(PPT1):c.353G>A (p.Gly118Asp)

Gene: PPT1 (palmitoyl-protein thioesterase 1; minus strand). Cytogenetic location: 1p34.2.
Variant type: single nucleotide variant.
Coding change: c.353G>A on transcript NM_000310.4 (MANE Select); coding-DNA position 353, G replaced by A.
Protein change: p.Gly118Asp; replaces glycine 118 with aspartic acid.
Molecular consequence: missense variant. On other transcripts: intron variant (1).
Genome position (GRCh38, 1-based): chr1:40,092,054, C>T on the plus strand (G>A on the coding strand, the complement: PPT1 is on the minus strand). VCF-style: chr1-40092054-C-T. GRCh37 (hg19) VCF-style: chr1-40557726-C-T.
Other names: c.353G>A, p.Gly118Asp (NM_001363695.2); c.125-2542G>A (NM_001142604.2); short protein forms G118D.
Identifiers: ClinVar variation 520610 (VCV000520610.15), dbSNP rs143657539, ClinGen allele CA789741.